The following is an entry in ClinVar:

NM_000038.6(APC):c.-19+6054C>A

Gene: APC (APC regulator of WNT signaling pathway; plus strand). Cytogenetic location: 5q22.2.
Variant type: single nucleotide variant.
Coding change: c.-19+6054C>A on transcript NM_000038.6 (MANE Select); 6054 bases into the intron after 19 bases upstream of the start codon, C replaced by A.
Molecular consequence: intron variant.
Genome position (GRCh38, 1-based): chr5:112,743,979, C>A. VCF-style: chr5-112743979-C-A. GRCh37 (hg19) VCF-style: chr5-112079676-C-A.
Other names: c.-18-10894C>A (NM_001354895.2); c.166-22347C>A (NM_001354897.2, NM_001354902.2, NM_001127511.3); c.-19+5519C>A (NM_001127510.3); c.60+5519C>A (NM_001354898.2, NM_001354904.2); c.-1054+6054C>A (NM_001354906.2); c.-19+6054C>A (NM_001354896.2, NM_001354903.2, NM_001354899.2); c.-43+6054C>A (NM_001354900.2, NM_001354901.2, NM_001354905.2).
Identifiers: ClinVar variation 82765 (VCV000082765.2), dbSNP rs78719754, ClinGen allele CA006895.

ClinVar aggregate classification (germline): other (0 of 4 stars; one submission).

Conditions:
Familial colorectal cancer. Identifiers: MedGen CN280943, MONDO:0023113. Disease mechanism: loss of function.

Submission:

Systems Biology Platform Zhejiang California International NanoSystems Institute
Classification: other for Familial colorectal cancer. Review status: no assertion criteria provided. Collection method: not provided. Allele origin: unknown.
ClinVar note: Converted during submission from cancer to other.